The following is an entry in ClinVar:

NM_001174096.2(ZEB1):c.787_789delinsTAA (p.His263Ter)

Gene: ZEB1 (zinc finger E-box binding homeobox 1; plus strand). Cytogenetic location: 10p11.22.
Variant type: Indel.
Coding change: c.787_789delinsTAA on transcript NM_001174096.2 (MANE Select); coding-DNA positions 787 to 789, CAC replaced by TAA.
Protein change: p.His263Ter; replaces histidine 263 with a stop codon.
Molecular consequence: nonsense.
Genome position (GRCh38, 1-based): chr10:31,514,702-31,514,704, CAC replaced by TAA. VCF-style: chr10-31514702-CAC-TAA. GRCh37 (hg19) VCF-style: chr10-31803630-CAC-TAA.
Other names: c.736_738delinsTAA, p.His246Ter (NM_001128128.3); c.724_726delinsTAA, p.His242Ter (NM_001174093.2); c.733_735delinsTAA, p.His245Ter (NM_001174094.2); c.583_585delinsTAA, p.His195Ter (NM_001174095.2); c.130_132delinsTAA, p.His44Ter (NM_001323649.2, NM_001323650.2, NM_001323651.2 and 27 more transcripts); c.562_564delinsTAA, p.His188Ter (NM_001323674.2); c.520_522delinsTAA, p.His174Ter (NM_001323675.2); c.745_747delinsTAA, p.His249Ter (NM_001323676.2); and 3 more; short protein forms H188*, H262*, H248*, H44*, H171*, H174*, H195*, H246*.
Identifiers: ClinVar variation 4204860 (VCV004204860.1).

ClinVar aggregate classification (germline): Pathogenic (1 of 4 stars; one submission).

Conditions:
Inborn genetic diseases. Identifiers: MedGen C0950123, MeSH D030342.

Submission:

Ambry Genetics
Classification: Pathogenic for Inborn genetic diseases. Last evaluated: 2025-09-03. Review status: criteria provided, single submitter. Criteria: Ambry Variant Classification Scheme 2023. Collection method: clinical testing. Allele origin: germline.
Comment: The c.784_786delCACinsTAA (p.H262*) alteration, located in exon 6 (coding exon 6) of the ZEB1 gene, consists of an in-frame substitution of 3 nucleotides from position 784 to 786. This changes the amino acid from a histidine to a stop codon at amino acid position 262. This alteration is expected to result in loss of function by premature protein truncation or nonsense-mediated mRNA decay. This variant was not reported in population-based cohorts in the Genome Aggregation Database (gnomAD). Based on the available evidence, this alteration is classified as pathogenic.